The following is an entry in ClinVar:

NM_000350.3(ABCA4):c.4539+2061G>A

Gene: ABCA4 (ATP binding cassette subfamily A member 4; minus strand). Cytogenetic location: 1p22.1.
Variant type: single nucleotide variant.
Coding change: c.4539+2061G>A on transcript NM_000350.3 (MANE Select); 2061 bases into the intron after coding-DNA position 4539, G replaced by A.
Molecular consequence: intron variant.
Genome position (GRCh38, 1-based): chr1:94,027,384, C>T on the plus strand (G>A on the coding strand, the complement: ABCA4 is on the minus strand). VCF-style: chr1-94027384-C-T. GRCh37 (hg19) VCF-style: chr1-94492940-C-T.
Other names: c.4317+2061G>A (NM_001425324.1).
Identifiers: ClinVar variation 3350325 (VCV003350325.2).

ClinVar aggregate classification (germline): Likely benign. Review status: criteria provided, single submitter (1 of 4 stars). 2 submissions from 2 submitters: Likely benign (1). 1 of the submissions does not count toward it. Last evaluated 2024-11-26.

Conditions:
ABCA4-related disorder. Also called: ABCA4-related condition; ABCA4-related disorders. Identifiers: MedGen CN239167.

gnomAD v4.1: 425 of 152,306 alleles (0.28%); highest among the groups gnomAD compares: African/African-American, 0.98%; no homozygotes.

Submissions (2):

Blueprint Genetics
Classification: Likely benign. Last evaluated: 2024-11-26. Review status: criteria provided, single submitter. Criteria: ACMG Guidelines, 2015. Collection method: clinical testing. Allele origin: germline.

PreventionGenetics, part of Exact Sciences
Classification: Benign for ABCA4-related condition. Last evaluated: 2024-08-18. Review status: no assertion criteria provided. Collection method: clinical testing. Allele origin: germline. Not counted in ClinVar's aggregate classification.
Comment: This variant is classified as benign based on ACMG/AMP sequence variant interpretation guidelines (Richards et al. 2015 PMID: 25741868, with internal and published modifications).